The following is an entry in ClinVar:

ClinVar aggregate classification (germline): Uncertain significance (1 of 4 stars; one submission).

Submission:

Labcorp Genetics (formerly Invitae), Labcorp
Classification: Uncertain significance. Last evaluated: 2024-07-31. Review status: criteria provided, single submitter. Criteria: Invitae Variant Classification Sherloc (09022015). Collection method: clinical testing. Allele origin: germline.
Comment: This sequence change replaces proline, which is neutral and non-polar, with histidine, which is basic and polar, at codon 1490 of the KAT6A protein (p.Pro1490His). This variant is not present in population databases (gnomAD no frequency). This variant has not been reported in the literature in individuals affected with KAT6A-related conditions. Advanced modeling of protein sequence and biophysical properties (such as structural, functional, and spatial information, amino acid conservation, physicochemical variation, residue mobility, and thermodynamic stability) has been performed at Invitae for this missense variant, however the output from this modeling did not meet the statistical confidence thresholds required to predict the impact of this variant on KAT6A protein function. In summary, the available evidence is currently insufficient to determine the role of this variant in disease. Therefore, it has been classified as a Variant of Uncertain Significance.

NM_006766.5(KAT6A):c.4469C>A (p.Pro1490His)

Gene: KAT6A (lysine acetyltransferase 6A; minus strand). Cytogenetic location: 8p11.21.
Variant type: single nucleotide variant.
Coding change: c.4469C>A on transcript NM_006766.5 (MANE Select); coding-DNA position 4469, C replaced by A.
Protein change: p.Pro1490His; replaces proline 1490 with histidine.
Molecular consequence: missense variant.
Genome position (GRCh38, 1-based): chr8:41,933,751, G>T on the plus strand (C>A on the coding strand, the complement: KAT6A is on the minus strand). VCF-style: chr8-41933751-G-T. GRCh37 (hg19) VCF-style: chr8-41791269-G-T.
Other names: short protein forms P1490H.
Identifiers: ClinVar variation 3654434 (VCV003654434.2).